The following is an entry in ClinVar:

NM_001290043.2(TAP2):c.1082A>G (p.Gln361Arg)

Gene: TAP2 (transporter 2, ATP binding cassette subfamily B member; minus strand). Cytogenetic location: 6p21.32.
Variant type: single nucleotide variant.
Coding change: c.1082A>G on transcript NM_001290043.2 (MANE Select); coding-DNA position 1082, A replaced by G.
Protein change: p.Gln361Arg; replaces glutamine 361 with arginine.
Molecular consequence: missense variant.
Genome position (GRCh38, 1-based): chr6:32,832,688, T>C on the plus strand (A>G on the coding strand, the complement: TAP2 is on the minus strand). VCF-style: chr6-32832688-T-C. GRCh37 (hg19) VCF-style: chr6-32800465-T-C.
Other names: c.1082A>G, p.Gln361Arg (NM_000544.3, NM_018833.3); short protein forms Q361R.
Identifiers: ClinVar variation 948724 (VCV000948724.9), dbSNP rs1438157532, ClinGen allele CA363583204.
Genomic context (GRCh38, chr6:32,832,688, plus strand): 5'-CTCCTTACGAGCAGGTACAAGGCGCGTTCCAGGTCTCTCCGCCAATACAGCTGCCGACAT[T>C]GTTCAAGGGCCTCTTTATAGCGACAGACTTCATGCTCCTCGGCCCCAAAACTGCGAACGG-3'
Protein context (NP_001276972.1, residues 351-371): EVCRYKEALE[Gln361Arg]CRQLYWRRDL

ClinVar aggregate classification (germline): Uncertain significance (1 of 4 stars; one submission).

Conditions:
MHC class I deficiency. Identifiers: Orphanet 34592, MedGen C6024714, MONDO:0011476.

Allele frequency attached by ClinVar (database versions not stated): gnomAD exomes below 0.00001 and 0.00001; TOPMed below 0.00001.
gnomAD v4.1: 3 of 1,613,078 alleles (0.00019%); highest among the groups gnomAD compares: South Asian, 0.0022%; no homozygotes.

Submission:

Labcorp Genetics (formerly Invitae), Labcorp
Classification: Uncertain significance for MHC class I deficiency 1. Last evaluated: 2019-06-12. Review status: criteria provided, single submitter. Criteria: Invitae Variant Classification Sherloc (09022015). Collection method: clinical testing. Allele origin: germline.
Comment: In summary, the available evidence is currently insufficient to determine the role of this variant in disease. Therefore, it has been classified as a Variant of Uncertain Significance. Algorithms developed to predict the effect of missense changes on protein structure and function output the following: SIFT: "Tolerated"; PolyPhen-2: "Not Available"; Align-GVGD: "Class C0". The arginine amino acid residue is found in multiple mammalian species, suggesting that this missense change does not adversely affect protein function. These predictions have not been confirmed by published functional studies and their clinical significance is uncertain. This variant has not been reported in the literature in individuals with TAP2-related conditions. This variant is not present in population databases (ExAC no frequency). This sequence change replaces glutamine with arginine at codon 361 of the TAP2 protein (p.Gln361Arg). The glutamine residue is weakly conserved and there is a small physicochemical difference between glutamine and arginine.